The following is an entry in ClinVar:

NM_000051.4(ATM):c.6199-2A>T

Genes: ATM (ATM serine/threonine kinase; plus strand), C11orf65 (chromosome 11 open reading frame 65; minus strand). Cytogenetic location: 11q22.3.
Variant type: single nucleotide variant.
Coding change: c.6199-2A>T on transcript NM_000051.4 (MANE Select); the canonical splice acceptor site of the intron before coding-DNA position 6199, A replaced by T.
Molecular consequence: splice acceptor variant. On other transcripts: intron variant (2).
Genome position (GRCh38, 1-based): chr11:108,317,371, A>T. VCF-style: chr11-108317371-A-T. GRCh37 (hg19) VCF-style: chr11-108188098-A-T.
Other names: c.6199-2A>T (NM_001351834.2); c.641-8300T>A (NM_001330368.2); c.*39-8300T>A (NM_001351110.2).
Identifiers: ClinVar variation 407507 (VCV000407507.9), dbSNP rs1060501570, ClinGen allele CA16613095.

ClinVar aggregate classification (germline): Pathogenic (1 of 4 stars; one submission).

Conditions:
Ataxia-telangiectasia syndrome (AT). Also called: LOUIS-BAR SYNDROME; Cerebello-oculocutaneous telangiectasia; Immunodeficiency with ataxia telangiectasia; Ataxia-telangiectasia, complementation group D; AT, COMPLEMENTATION GROUP C; Ataxia-telangiectasia, complementation group E. Identifiers: Orphanet 100, MedGen C0004135, MONDO:0008840, OMIM 208900.

Submission:

Labcorp Genetics (formerly Invitae), Labcorp
Classification: Pathogenic for Ataxia-telangiectasia syndrome. Last evaluated: 2022-10-28. Review status: criteria provided, single submitter. Criteria: Invitae Variant Classification Sherloc (09022015). Collection method: clinical testing. Allele origin: germline.
Comment: This sequence change affects an acceptor splice site in intron 42 of the ATM gene. RNA analysis indicates that disruption of this splice site induces altered splicing and likely results in the loss of 3 amino acid residue(s), but is expected to preserve the integrity of the reading-frame. For these reasons, this variant has been classified as Pathogenic. This variant disrupts a region of the ATM protein in which other variant(s) (p.Ala2067Asp) have been determined to be pathogenic (PMID: 9887333, 22345219, 25914063; Invitae). This suggests that this is a clinically significant region of the protein, and that variants that disrupt it are likely to be disease-causing. Studies have shown that disruption of this splice site results in the activation of a cryptic splice site in exon 43 (PMID: 9450906). ClinVar contains an entry for this variant (Variation ID: 407507). Disruption of this splice site has been observed in individual(s) with ATM-related conditions (PMID: 9450906, 22585167). This variant is not present in population databases (gnomAD no frequency).

Literature cited by the submitters: PubMed 9887333; PubMed 22345219; PubMed 25914063; PubMed 9450906; PubMed 22585167.